The following is an entry in ClinVar:

NM_000090.4(COL3A1):c.464A>G (p.Tyr155Cys)

Gene: COL3A1 (collagen type III alpha 1 chain; plus strand). Cytogenetic location: 2q32.2.
Variant type: single nucleotide variant.
Coding change: c.464A>G on transcript NM_000090.4 (MANE Select); coding-DNA position 464, A replaced by G.
Protein change: p.Tyr155Cys; replaces tyrosine 155 with cysteine.
Molecular consequence: missense variant.
Genome position (GRCh38, 1-based): chr2:188,987,075, A>G. VCF-style: chr2-188987075-A-G. GRCh37 (hg19) VCF-style: chr2-189851801-A-G.
Other names: short protein forms Y155C.
Identifiers: ClinVar variation 577235 (VCV000577235.13), dbSNP rs1160176510, ClinGen allele CA349848065.

ClinVar aggregate classification (germline): Uncertain significance. Review status: criteria provided, multiple submitters, no conflicts (2 of 4 stars). 3 submissions from 3 submitters: Uncertain significance (3). Last evaluated 2024-03-07.

Conditions:
Familial thoracic aortic aneurysm and aortic dissection (TAAD). Also called: Thoracic aortic aneurysms and dissections. Identifiers: Orphanet 91387, MedGen C4707243, MONDO:0019625.
Ehlers-Danlos syndrome, type 4 (EDSVASC). Also called: Ehlers-Danlos syndrome vascular type; Ehlers Danlos syndrome, ecchymotic type; Ehlers Danlos syndrome, arterial type; Ehlers Danlos syndrome, Sack-Barabas type; Ehlers-Danlos Syndrome Type IV. Identifiers: Orphanet 286, MedGen C0268338, MONDO:0017314, OMIM 130050.

Allele frequency attached by ClinVar (database versions not stated): TOPMed below 0.00001; gnomAD 0.00001.
gnomAD v4.1: 1 of 1,612,518 alleles (0.000062%); highest among the groups gnomAD compares: African/African-American, 0.0013%; no homozygotes.

Submissions (3):

Color Diagnostics, LLC DBA Color Health
Classification: Uncertain significance for Familial thoracic aortic aneurysm and aortic dissection. Last evaluated: 2024-03-07. Review status: criteria provided, single submitter. Criteria: ACMG Guidelines, 2015. Collection method: clinical testing. Allele origin: germline.
Comment: This missense variant replaces tyrosine with cysteine at codon 155 of the COL3A1 protein. Computational prediction suggests that this variant may not impact protein structure and function (internally defined REVEL score threshold <= 0.5, PMID: 27666373). To our knowledge, functional studies have not been reported for this variant. This variant has not been reported in individuals affected with COL3A1-related disorders in the literature. This variant has not been identified in the general population by the Genome Aggregation Database (gnomAD). The available evidence is insufficient to determine the role of this variant in disease conclusively. Therefore, this variant is classified as a Variant of Uncertain Significance.

All of Us Research Program, National Institutes of Health
Classification: Uncertain significance for Ehlers-Danlos syndrome, type 4. Last evaluated: 2023-12-13. Review status: criteria provided, single submitter. Criteria: ACMG Guidelines, 2015. Collection method: clinical testing. Allele origin: germline. Inheritance: Autosomal dominant inheritance. Observed: 4 variant alleles, 4 heterozygotes.
Comment: This missense variant replaces tyrosine with cysteine at codon 155 of the COL3A1 protein. Computational prediction suggests that this variant may not impact protein structure and function (internally defined REVEL score threshold <= 0.5, PMID: 27666373). To our knowledge, functional studies have not been reported for this variant. This variant has not been reported in individuals affected with cardiovascular disorders in the literature. This variant has not been identified in the general population by the Genome Aggregation Database (gnomAD). The available evidence is insufficient to determine the role of this variant in disease conclusively. Therefore, this variant is classified as a Variant of Uncertain Significance.

This study involves interpretation of variants in research participants for the purpose of population health screening. Participant phenotype was not available at the time of variant classification. Additional details can be found in publication PMID: 35346344, PMCID: PMC8962531

Labcorp Genetics (formerly Invitae), Labcorp
Classification: Uncertain significance for Ehlers-Danlos syndrome, type 4. Last evaluated: 2021-05-18. Review status: criteria provided, single submitter. Criteria: Invitae Variant Classification Sherloc (09022015). Collection method: clinical testing. Allele origin: germline.
Comment: In summary, the available evidence is currently insufficient to determine the role of this variant in disease. Therefore, it has been classified as a Variant of Uncertain Significance. Advanced modeling of protein sequence and biophysical properties (such as structural, functional, and spatial information, amino acid conservation, physicochemical variation, residue mobility, and thermodynamic stability) performed at Invitae indicates that this missense variant is not expected to disrupt COL3A1 protein function. This variant has not been reported in the literature in individuals with COL3A1-related conditions. ClinVar contains an entry for this variant (Variation ID: 577235). This variant is not present in population databases (ExAC no frequency). This sequence change replaces tyrosine with cysteine at codon 155 of the COL3A1 protein (p.Tyr155Cys). The tyrosine residue is moderately conserved and there is a large physicochemical difference between tyrosine and cysteine.